The following is an entry in ClinVar:

ClinVar aggregate classification (germline): Uncertain significance (1 of 4 stars; one submission).

Conditions:
Inborn genetic diseases. Identifiers: MedGen C0950123, MeSH D030342.

Submission:

Ambry Genetics
Classification: Uncertain significance for Inborn genetic diseases. Last evaluated: 2025-08-02. Review status: criteria provided, single submitter. Criteria: Ambry Variant Classification Scheme 2023. Collection method: clinical testing. Allele origin: germline.
Comment: The p.L530P variant (also known as c.1589T>C), located in coding exon 17 of the FANCA gene, results from a T to C substitution at nucleotide position 1589. The leucine at codon 530 is replaced by proline, an amino acid with similar properties. This amino acid position is conserved. In addition, this alteration is predicted to be deleterious by in silico analysis. Based on the available evidence, the clinical significance of this variant remains unclear.

NM_000135.4(FANCA):c.1589T>C (p.Leu530Pro)

Gene: FANCA (FA complementation group A; minus strand). Cytogenetic location: 16q24.3.
Variant type: single nucleotide variant.
Coding change: c.1589T>C on transcript NM_000135.4 (MANE Select); coding-DNA position 1589, T replaced by C.
Protein change: p.Leu530Pro; replaces leucine 530 with proline.
Molecular consequence: missense variant.
Genome position (GRCh38, 1-based): chr16:89,782,896, A>G on the plus strand (T>C on the coding strand, the complement: FANCA is on the minus strand). VCF-style: chr16-89782896-A-G. GRCh37 (hg19) VCF-style: chr16-89849304-A-G.
Other names: c.1589T>C, p.Leu530Pro (NM_001286167.3); short protein forms L530P.
Identifiers: ClinVar variation 4254250 (VCV004254250.1).